The following is an entry in ClinVar:

ClinVar aggregate classification (germline): Uncertain significance (1 of 4 stars; one submission).

Conditions:
Coffin-Siris syndrome 1 (CSS1). Also called: ARID1B-Related Coffin-Siris Syndrome; Mental retardation, autosomal dominant 12. Identifiers: Orphanet 1465, MedGen C3281201, MONDO:0007617, OMIM 135900. Disease mechanism: gain of function.

Submission:

3billion
Classification: Uncertain significance for Coffin-Siris syndrome 1. Last evaluated: 2025-12-15. Review status: criteria provided, single submitter. Criteria: ACMG Guidelines, 2015. Collection method: clinical testing. Allele origin: germline. Affected: yes.
Comment: The variant is not observed in the gnomAD v4.1.0 dataset. Predicted Consequence/Location: Intron variant In silico tools predict the variant to alter splicing and produce an abnormal transcript [SpliceAI: 0.33 (>=0.2, moderate evidence for spliceogenicity)]. Therefore, this variant is classified as VUS according to the recommendation of ACMG/AMP guideline.

NM_001374828.1(ARID1B):c.1987-27573A>G

Gene: ARID1B (AT-rich interaction domain 1B; plus strand). Cytogenetic location: 6q25.3.
Variant type: single nucleotide variant.
Coding change: c.1987-27573A>G on transcript NM_001374828.1 (MANE Select); 27573 bases into the intron before coding-DNA position 1987, A replaced by G.
Molecular consequence: intron variant.
Genome position (GRCh38, 1-based): chr6:156,873,803, A>G. VCF-style: chr6-156873803-A-G. GRCh37 (hg19) VCF-style: chr6-157194937-A-G.
Other names: c.2025+2151A>G (NM_001371656.1, NM_001374820.1); c.1987-27573A>G (NM_001438483.1, NM_001438486.1, NM_001438482.1 and 7 more transcripts).
Identifiers: ClinVar variation 4856356 (VCV004856356.1).